The following is an entry in ClinVar:

NM_002234.4(KCNA5):c.1018C>T (p.Leu340Phe)

Gene: KCNA5 (potassium voltage-gated channel subfamily A member 5; plus strand). Cytogenetic location: 12p13.32.
Variant type: single nucleotide variant.
Coding change: c.1018C>T on transcript NM_002234.4 (MANE Select); coding-DNA position 1018, C replaced by T.
Protein change: p.Leu340Phe; replaces leucine 340 with phenylalanine.
Molecular consequence: missense variant.
Genome position (GRCh38, 1-based): chr12:5,045,165, C>T. VCF-style: chr12-5045165-C-T. GRCh37 (hg19) VCF-style: chr12-5154331-C-T.
Other names: c.1018C>T (NM_002234.2); short protein forms L340F.
Identifiers: ClinVar variation 4737506 (VCV004737506.2).
Genomic context (GRCh38, chr12:5,045,165, plus strand): 5'-CTGGCCGACCCCTTCTTCATCGTGGAGACCACGTGCGTCATCTGGTTCACCTTCGAGCTG[C>T]TCGTGCGCTTCTTCGCCTGCCCCAGCAAGGCAGGGTTCTCCCGGAACATCATGAACATCA-3'
Protein context (NP_002225.2, residues 330-350): TCVIWFTFEL[Leu340Phe]VRFFACPSKA

ClinVar aggregate classification (germline): Uncertain significance. Review status: criteria provided, multiple submitters, no conflicts (2 of 4 stars). 2 submissions from 2 submitters: Uncertain significance (2). Last evaluated 2025-09-05.

Conditions:
Atrial fibrillation, familial, 7 (ATFB7). Identifiers: MedGen C2677106, MONDO:0012828, OMIM 612240.

gnomAD v4.1: 53 of 1,614,182 alleles (0.0033%); highest among the groups gnomAD compares: Non-Finnish European, 0.0044%; no homozygotes.

Submissions (2):

Labcorp Genetics (formerly Invitae), Labcorp
Classification: Uncertain significance for Atrial fibrillation, familial, 7. Last evaluated: 2025-09-05. Review status: criteria provided, single submitter. Criteria: Invitae Variant Classification Sherloc (09022015). Collection method: clinical testing. Allele origin: germline.
Comment: This sequence change replaces leucine, which is neutral and non-polar, with phenylalanine, which is neutral and non-polar, at codon 340 of the KCNA5 protein (p.Leu340Phe). This variant is present in population databases (rs762166093, gnomAD 0.0009%). This variant has not been reported in the literature in individuals affected with KCNA5-related conditions. Invitae Evidence Modeling of protein sequence and biophysical properties (such as structural, functional, and spatial information, amino acid conservation, physicochemical variation, residue mobility, and thermodynamic stability) indicates that this missense variant is not expected to disrupt KCNA5 protein function with a negative predictive value of 80%. In summary, the available evidence is currently insufficient to determine the role of this variant in disease. Therefore, it has been classified as a Variant of Uncertain Significance.

GeneDx
Classification: Uncertain significance. Last evaluated: 2025-08-15. Review status: criteria provided, single submitter. Criteria: GeneDx Variant Classification Process June 2021. Collection method: clinical testing. Allele origin: germline. Affected: yes.
Comment: Not observed at significant frequency in large population cohorts (gnomAD); In silico analysis suggests that this missense variant does not alter protein structure/function; Has not been previously published as pathogenic or benign to our knowledge